The following is an entry in ClinVar:

NM_133259.4(LRPPRC):c.2388A>G (p.Ala796=)

Gene: LRPPRC (leucine rich pentatricopeptide repeat containing; minus strand). Cytogenetic location: 2p21.
Variant type: single nucleotide variant.
Coding change: c.2388A>G on transcript NM_133259.4 (MANE Select); coding-DNA position 2388, A replaced by G.
Protein change: p.Ala796=; no amino-acid change (alanine 796 retained).
Molecular consequence: synonymous variant.
Genome position (GRCh38, 1-based): chr2:43,943,803, T>C on the plus strand (A>G on the coding strand, the complement: LRPPRC is on the minus strand). VCF-style: chr2-43943803-T-C. GRCh37 (hg19) VCF-style: chr2-44170942-T-C.
Identifiers: ClinVar variation 387751 (VCV000387751.8), dbSNP rs781484771, ClinGen allele CA1638476.

ClinVar aggregate classification (germline): Likely benign. Review status: criteria provided, multiple submitters, no conflicts (2 of 4 stars). 2 submissions from 2 submitters: Likely benign (2). Last evaluated 2023-12-25.

Allele frequency attached by ClinVar (database versions not stated): gnomAD exomes 0.00001; TOPMed 0.00001; ExAC 0.00002.
gnomAD v4.1: 7 of 1,613,524 alleles (0.00043%); highest among the groups gnomAD compares: East Asian, 0.016%; no homozygotes.

Submissions (2):

Labcorp Genetics (formerly Invitae), Labcorp
Classification: Likely benign. Last evaluated: 2023-12-25. Review status: criteria provided, single submitter. Criteria: Invitae Variant Classification Sherloc (09022015). Collection method: clinical testing. Allele origin: germline.

GeneDx
Classification: Likely benign. Last evaluated: 2016-07-29. Review status: criteria provided, single submitter. Criteria: GeneDx Variant Classification (06012015). Collection method: clinical testing. Allele origin: germline. Affected: yes.
Comment: This variant is considered likely benign or benign based on one or more of the following criteria: it is a conservative change, it occurs at a poorly conserved position in the protein, it is predicted to be benign by multiple in silico algorithms, and/or has population frequency not consistent with disease.